The following is an entry in ClinVar:

NM_032638.5(GATA2):c.1077A>T (p.Leu359Phe)

Gene: GATA2 (GATA binding protein 2; minus strand). Cytogenetic location: 3q21.3.
Variant type: single nucleotide variant.
Coding change: c.1077A>T on transcript NM_032638.5 (MANE Select); coding-DNA position 1077, A replaced by T.
Protein change: p.Leu359Phe; replaces leucine 359 with phenylalanine.
Molecular consequence: missense variant.
Genome position (GRCh38, 1-based): chr3:128,481,885, T>A on the plus strand (A>T on the coding strand, the complement: GATA2 is on the minus strand). VCF-style: chr3-128481885-T-A. GRCh37 (hg19) VCF-style: chr3-128200728-T-A.
Other names: c.1077A>T, p.Leu359Phe (NM_001145661.2); c.1035A>T, p.Leu345Phe (NM_001145662.1); short protein forms L359F, L345F.
Identifiers: ClinVar variation 841426 (VCV000841426.9), dbSNP rs1174464035, ClinGen allele CA354413589.

ClinVar aggregate classification (germline): Uncertain significance (1 of 4 stars; one submission).

Conditions:
Deafness-lymphedema-leukemia syndrome. Also called: Emberger syndrome; Lymphedema, primary, with myelodysplasia. Identifiers: Orphanet 3226, MedGen C3279664, MONDO:0013540, OMIM 614038.
Monocytopenia with susceptibility to infections. Also called: GATA2 DEFICIENCY; MONOCYTOPENIA AND MYCOBACTERIAL INFECTION SYNDROME; MONOCYTOPENIA WITH SUSCEPTIBILITY TO MYCOBACTERIAL, FUNGAL, AND PAPILLOMAVIRUS INFECTIONS AND MYELODYSPLASIA; COMBINED IMMUNODEFICIENCY WITH SUSCEPTIBILITY TO MYCOBACTERIAL, VIRAL, AND FUNGAL INFECTIONS; IMMUNODEFICIENCY 21; Dendritic cell, monocyte, B lymphocyte, and natural killer lymphocyte deficiency. Identifiers: Orphanet 228423, MedGen C3280030, MONDO:0013607, OMIM 614172.

Submission:

Labcorp Genetics (formerly Invitae), Labcorp
Classification: Uncertain significance for Monocytopenia with susceptibility to infections; Deafness-lymphedema-leukemia syndrome. Last evaluated: 2023-03-20. Review status: criteria provided, single submitter. Criteria: Invitae Variant Classification Sherloc (09022015). Collection method: clinical testing. Allele origin: germline.
Comment: ClinVar contains an entry for this variant (Variation ID: 841426). In summary, the available evidence is currently insufficient to determine the role of this variant in disease. Therefore, it has been classified as a Variant of Uncertain Significance. Advanced modeling of protein sequence and biophysical properties (such as structural, functional, and spatial information, amino acid conservation, physicochemical variation, residue mobility, and thermodynamic stability) performed at Invitae indicates that this missense variant is expected to disrupt GATA2 protein function. This variant has not been reported in the literature in individuals affected with GATA2-related conditions. This variant is not present in population databases (gnomAD no frequency). This sequence change replaces leucine, which is neutral and non-polar, with phenylalanine, which is neutral and non-polar, at codon 359 of the GATA2 protein (p.Leu359Phe).